The following is an entry in ClinVar:

ClinVar aggregate classification (germline): Uncertain significance (1 of 4 stars; one submission).

Conditions:
Mucopolysaccharidosis, MPS-III-B (MPS3B). Also called: N-ACETYL-ALPHA-D-GLUCOSAMINIDASE DEFICIENCY; NAGLU DEFICIENCY; SANFILIPPO SYNDROME B; MPS III B; MPS IIIB (Sanfilippo Syndrome Type B); MUCOPOLYSACCHARIDOSIS, TYPE IIIB. Identifiers: Orphanet 79270, MedGen C0086648, MONDO:0009656, OMIM 252920.
Charcot-Marie-Tooth disease axonal type 2V. Also called: CHARCOT-MARIE-TOOTH NEUROPATHY, TYPE 2V; CHARCOT-MARIE-TOOTH DISEASE, AXONAL, AUTOSOMAL DOMINANT, TYPE 2V. Identifiers: Orphanet 447964, MedGen C5569050, MONDO:0014665, OMIM 616491.

Submission:

Labcorp Genetics (formerly Invitae), Labcorp
Classification: Uncertain significance for Charcot-Marie-Tooth disease axonal type 2V; Mucopolysaccharidosis, MPS-III-B. Last evaluated: 2023-03-23. Review status: criteria provided, single submitter. Criteria: Invitae Variant Classification Sherloc (09022015). Collection method: clinical testing. Allele origin: germline.
Comment: This sequence change replaces aspartic acid, which is acidic and polar, with valine, which is neutral and non-polar, at codon 146 of the NAGLU protein (p.Asp146Val). This variant is not present in population databases (gnomAD no frequency). This variant has not been reported in the literature in individuals affected with NAGLU-related conditions. ClinVar contains an entry for this variant (Variation ID: 1481190). Advanced modeling of protein sequence and biophysical properties (such as structural, functional, and spatial information, amino acid conservation, physicochemical variation, residue mobility, and thermodynamic stability) performed at Invitae indicates that this missense variant is expected to disrupt NAGLU protein function. In summary, the available evidence is currently insufficient to determine the role of this variant in disease. Therefore, it has been classified as a Variant of Uncertain Significance.

NM_000263.4(NAGLU):c.437A>T (p.Asp146Val)

Gene: NAGLU (N-acetyl-alpha-glucosaminidase; plus strand). Cytogenetic location: 17q21.2.
Variant type: single nucleotide variant.
Coding change: c.437A>T on transcript NM_000263.4 (MANE Select); coding-DNA position 437, A replaced by T.
Protein change: p.Asp146Val; replaces aspartic acid 146 with valine.
Molecular consequence: missense variant.
Genome position (GRCh38, 1-based): chr17:42,537,451, A>T. VCF-style: chr17-42537451-A-T. GRCh37 (hg19) VCF-style: chr17-40689469-A-T.
Other names: short protein forms D146V.
Identifiers: ClinVar variation 1481190 (VCV001481190.6), dbSNP rs2143082071, ClinGen allele CA399598103.